The following is an entry in ClinVar:

ClinVar aggregate classification (germline): Pathogenic/Likely pathogenic. Review status: criteria provided, multiple submitters, no conflicts (2 of 4 stars). 10 submissions from 10 submitters: Pathogenic (4); Likely pathogenic (4). 2 of the submissions do not count toward it. Last evaluated 2026-09-03.

Conditions:
ABCA4-related disorder. Also called: ABCA4-related condition; ABCA4-related disorders. Identifiers: MedGen CN239167.
Retinal dystrophy. Also called: Inherited retinal dystrophy. Identifiers: Orphanet 71862, MedGen C0854723, MeSH D058499, MONDO:0019118, HP:0000556.
Stargardt disease (FFM). Also called: Fundus flavimaculatus; Stargardt's disease. Identifiers: Orphanet 827, MedGen C0271093, MONDO:0019353.
Severe early-childhood-onset retinal dystrophy (STGD1). Also called: MACULAR DYSTROPHY WITH FLECKS, TYPE 1; STGD; Stargardt macular dystrophy; Juvenile onset macular degeneration; Stargardt disease 1. Identifiers: Orphanet 364055, Orphanet 827, MedGen C1855465, MeSH D000080362, MONDO:0009549, OMIM 248200.

Allele frequency attached by ClinVar (database versions not stated): TOPMed 0.00001; ESP Exome Variant Server 0.00008.
gnomAD v4.1: 10 of 1,614,090 alleles (0.00062%); highest among the groups gnomAD compares: Admixed American, 0.0033%; no homozygotes.

Submissions (10):

Institute of Medical Genetics and Applied Genomics, University Hospital Tübingen
Classification: Pathogenic for Severe early-childhood-onset retinal dystrophy. Last evaluated: 2026-09-03. Review status: criteria provided, single submitter. Criteria: ACMG Guidelines, 2015. Collection method: clinical testing. Allele origin: germline. Inheritance: Autosomal recessive inheritance. Affected: yes.

Labcorp Genetics (formerly Invitae), Labcorp
Classification: Pathogenic. Last evaluated: 2025-06-03. Review status: criteria provided, single submitter. Criteria: Invitae Variant Classification Sherloc (09022015). Collection method: clinical testing. Allele origin: germline.
Comment: This sequence change replaces arginine, which is basic and polar, with tryptophan, which is neutral and slightly polar, at codon 1843 of the ABCA4 protein (p.Arg1843Trp). This variant is present in population databases (rs62642576, gnomAD 0.007%). This missense change has been observed in individuals with Stargardt disease (PMID: 9973280, 24409374, 26780318, 32307445; internal data). ClinVar contains an entry for this variant (Variation ID: 99382). Invitae Evidence Modeling of protein sequence and biophysical properties (such as structural, functional, and spatial information, amino acid conservation, physicochemical variation, residue mobility, and thermodynamic stability) indicates that this missense variant is expected to disrupt ABCA4 protein function with a positive predictive value of 95%. For these reasons, this variant has been classified as Pathogenic.

PreventionGenetics, part of Exact Sciences
Classification: Pathogenic for ABCA4-related condition. Last evaluated: 2025-05-07. Review status: criteria provided, single submitter. Criteria: ACMG Guidelines, 2015. Collection method: clinical testing. Allele origin: germline.
Comment: The ABCA4 c.5527C>T variant is predicted to result in the amino acid substitution p.Arg1843Trp. This variant was previously reported, along with a second probable causative variant in the same gene, in individuals with retinal disease (see, for example, supplementary data, Khan et al. 2020. PubMed ID: 32307445; supplementary data, Weisschuh et al. 2020. PubMed ID: 32531858; supplementary data, Suga et al. 2022. PubMed ID: 36284460; supplementary data, Li et al. 2023. PubMed ID: 36729443; supplementary data, Verdina et al. 2012. PubMed ID: 24409374). This variant was also reported in large cohorts of individuals with Stargardt disease (Lewis et al. 1999. PubMed ID: 9973280; supplementary data, Cornelis et al. 2022. PubMed ID: 35120629; supplementary data, Jiang et al. 2016. PubMed ID: 26780318). In vitro functional analysis indicates that this variant results in reduced protein function (Garces et al. 2020. PubMed ID: 33375396). This variant is reported in 0.0062% of alleles in individuals of African descent in gnomAD. Taken together, we classify this variant as pathogenic.

Women's Health and Genetics/Laboratory Corporation of America, LabCorp
Classification: Pathogenic for Stargardt disease. Last evaluated: 2025-04-10. Review status: criteria provided, single submitter. Criteria: LabCorp Variant Classification Summary - May 2015. Collection method: clinical testing. Allele origin: germline.
Comment: Variant summary: ABCA4 c.5527C>T (p.Arg1843Trp) results in a non-conservative amino acid change in the encoded protein sequence. Five of five in-silico tools predict a damaging effect of the variant on protein function. The variant allele was found at a frequency of 1.6e-05 in 251390 control chromosomes (gnomAD). c.5527C>T has been reported in the literature in multiple individuals affected with Stargardt Disease (Lewis_1999, Hu_2019, Khan_2020, Weisschuh_2020, Kaltak_2023, Chacon-Camacho_2024). These data indicate that the variant is very likely to be associated with disease. At least one publication reports experimental evidence evaluating an impact on protein function and this variant affected the ABCA4 protein function (Garces_2020). The following publications have been ascertained in the context of this evaluation (PMID: 33375396, 31543898, 37587475, 32307445, 9973280, 32531858, 39162841). ClinVar contains an entry for this variant (Variation ID: 99382). Based on the evidence outlined above, the variant was classified as pathogenic.

GeneDx
Classification: Likely pathogenic. Last evaluated: 2023-03-10. Review status: criteria provided, single submitter. Criteria: GeneDx Variant Classification Process June 2021. Collection method: clinical testing. Allele origin: germline. Affected: yes.
Comment: Observed with two additional variants in the ABCA4 gene in patients with Stargardt disease in published literature, although it is not known what combination of these variants occurred on the same (in cis) or on different (in trans) chromosomes (Verdina et al., 2012; Jiang et al., 2016); Not observed at significant frequency in large population cohorts (gnomAD); Published functional studies suggest this variant results in moderate/mild impairment of the structure and function of the protein, but additional studies are needed to determine the functional effect of this variant in vivo (Garces et al., 2020); In silico analysis supports that this missense variant has a deleterious effect on protein structure/function; This variant is associated with the following publications: (PMID: 26780318, 33375396, 9973280, 32307445, 32531858, 24409374)

Institute of Human Genetics, Univ. Regensburg, Univ. Regensburg
Classification: Likely pathogenic for Retinal dystrophy. Last evaluated: 2021-01-01. Review status: criteria provided, single submitter. Criteria: ACMG Guidelines, 2015. Collection method: clinical testing. Allele origin: germline. Affected: yes.

Blueprint Genetics
Classification: Likely pathogenic for ABCA4-related disorders. Last evaluated: 2020-11-23. Review status: criteria provided, single submitter. Criteria: ACMG Guidelines, 2015. Collection method: clinical testing. Allele origin: germline. Affected: yes. Observed: 3 variant alleles.

CeGaT Center for Human Genetics Tuebingen
Classification: Likely pathogenic. Last evaluated: 2017-11-01. Review status: criteria provided, single submitter. Criteria: CeGaT Center For Human Genetics Tuebingen Variant Classification Criteria Version 2. Collection method: clinical testing. Allele origin: germline. Affected: yes. Observed: 3 variant alleles.

Ophthalmo-Genetics Lab, Instituto de Oftalmologia Conde de Valenciana
Classification: Pathogenic for Severe early-childhood-onset retinal dystrophy. Review status: no assertion criteria provided. Collection method: research. Allele origin: germline. Inheritance: Autosomal recessive inheritance. Affected: yes. Not counted in ClinVar's aggregate classification.

Retina International
No classification provided. Review status: no classification provided. Collection method: not provided. Allele origin: not provided. Not counted in ClinVar's aggregate classification.

Literature cited by the submitters: PubMed 9973280 (cited by 3 submitters); PubMed 24409374 (cited by Labcorp Genetics (formerly Invitae), Labcorp); PubMed 26780318 (cited by Labcorp Genetics (formerly Invitae), Labcorp and Ophthalmo-Genetics Lab, Instituto de Oftalmologia Conde de Valenciana); PubMed 32307445 (cited by 3 submitters); PubMed 32531858 (cited by Women's Health and Genetics/Laboratory Corporation of America, LabCorp and Institute of Human Genetics, Univ. Regensburg, Univ. Regensburg); PubMed 33375396 (cited by Women's Health and Genetics/Laboratory Corporation of America, LabCorp and Institute of Human Genetics, Univ. Regensburg, Univ. Regensburg); PubMed 31543898 (cited by Women's Health and Genetics/Laboratory Corporation of America, LabCorp); PubMed 39162841 (cited by Women's Health and Genetics/Laboratory Corporation of America, LabCorp); PubMed 37587475 (cited by Women's Health and Genetics/Laboratory Corporation of America, LabCorp); PubMed 31964843 (cited by Institute of Human Genetics, Univ. Regensburg, Univ. Regensburg); PubMed 36284460 (cited by Institute of Human Genetics, Univ. Regensburg, Univ. Regensburg).

NM_000350.3(ABCA4):c.5527C>T (p.Arg1843Trp)

Gene: ABCA4 (ATP binding cassette subfamily A member 4; minus strand). Cytogenetic location: 1p22.1.
Variant type: single nucleotide variant.
Coding change: c.5527C>T on transcript NM_000350.3 (MANE Select); coding-DNA position 5527, C replaced by T.
Protein change: p.Arg1843Trp; replaces arginine 1843 with tryptophan.
Molecular consequence: missense variant.
Genome position (GRCh38, 1-based): chr1:94,011,319, G>A on the plus strand (C>T on the coding strand, the complement: ABCA4 is on the minus strand). VCF-style: chr1-94011319-G-A. GRCh37 (hg19) VCF-style: chr1-94476875-G-A.
Other names: c.5305C>T, p.Arg1769Trp (NM_001425324.1); short protein forms R1843W, R1769W.
Identifiers: ClinVar variation 99382 (VCV000099382.56), dbSNP rs62642576, ClinGen allele CA227316.